The following is an entry in ClinVar:

ClinVar aggregate classification (germline): Uncertain significance. Review status: criteria provided, multiple submitters, no conflicts (2 of 4 stars). 3 submissions from 3 submitters: Uncertain significance (3). Last evaluated 2024-07-02.

Conditions:
Inborn genetic diseases. Identifiers: MedGen C0950123, MeSH D030342.

Allele frequency attached by ClinVar (database versions not stated): TOPMed 0.00005; gnomAD exomes 0.00008; gnomAD 0.00009; ExAC 0.00010.
gnomAD v4.1: 129 of 1,614,090 alleles (0.008%); highest among the groups gnomAD compares: Non-Finnish European, 0.0096%; no homozygotes.

Submissions (3):

Mayo Clinic Laboratories, Mayo Clinic
Classification: Uncertain significance. Last evaluated: 2024-07-02. Review status: criteria provided, single submitter. Criteria: ACMG Guidelines, 2015. Collection method: clinical testing. Allele origin: germline. Observed: 1 variant allele.
Comment: BP4

Ambry Genetics
Classification: Uncertain significance for Inborn genetic diseases. Last evaluated: 2023-03-21. Review status: criteria provided, single submitter. Criteria: Ambry Variant Classification Scheme 2023. Collection method: clinical testing. Allele origin: germline.

Labcorp Genetics (formerly Invitae), Labcorp
Classification: Uncertain significance. Last evaluated: 2021-09-06. Review status: criteria provided, single submitter. Criteria: Invitae Variant Classification Sherloc (09022015). Collection method: clinical testing. Allele origin: germline.
Comment: This sequence change replaces glutamine with proline at codon 1604 of the VPS13D protein (p.Gln1604Pro). The glutamine residue is moderately conserved and there is a moderate physicochemical difference between glutamine and proline. This variant is present in population databases (rs758101809, ExAC 0.02%). This variant has not been reported in the literature in individuals affected with VPS13D-related conditions. Algorithms developed to predict the effect of missense changes on protein structure and function are either unavailable or do not agree on the potential impact of this missense change (SIFT: "Deleterious"; PolyPhen-2: "Benign"; Align-GVGD: "Class C0"). In summary, the available evidence is currently insufficient to determine the role of this variant in disease. Therefore, it has been classified as a Variant of Uncertain Significance.

NM_015378.4(VPS13D):c.4811A>C (p.Gln1604Pro)

Gene: VPS13D (vacuolar protein sorting 13 homolog D; plus strand). Cytogenetic location: 1p36.22.
Variant type: single nucleotide variant.
Coding change: c.4811A>C on transcript NM_015378.4 (MANE Select); coding-DNA position 4811, A replaced by C.
Protein change: p.Gln1604Pro; replaces glutamine 1604 with proline.
Molecular consequence: missense variant.
Genome position (GRCh38, 1-based): chr1:12,282,913, A>C. VCF-style: chr1-12282913-A-C. GRCh37 (hg19) VCF-style: chr1-12342970-A-C.
Other names: p.Gln1604Pro; c.4811A>C, p.Gln1604Pro (NM_018156.4); c.4811A>C (NM_015378.2); short protein forms Q1604P.
Identifiers: ClinVar variation 1501654 (VCV001501654.5), dbSNP rs758101809, ClinGen allele CA602216.